The following is an entry in ClinVar:

ClinVar aggregate classification (germline): Uncertain significance (1 of 4 stars; one submission).

Submission:

Labcorp Genetics (formerly Invitae), Labcorp
Classification: Uncertain significance. Last evaluated: 2022-11-16. Review status: criteria provided, single submitter. Criteria: Invitae Variant Classification Sherloc (09022015). Collection method: clinical testing. Allele origin: germline.
Comment: Algorithms developed to predict the effect of missense changes on protein structure and function are either unavailable or do not agree on the potential impact of this missense change (SIFT: "Deleterious"; PolyPhen-2: "Possibly Damaging"; Align-GVGD: "Class C0"). In summary, the available evidence is currently insufficient to determine the role of this variant in disease. Therefore, it has been classified as a Variant of Uncertain Significance. This variant has not been reported in the literature in individuals affected with TBX6-related conditions. This sequence change replaces proline, which is neutral and non-polar, with glutamine, which is neutral and polar, at codon 9 of the TBX6 protein (p.Pro9Gln). The frequency data for this variant in the population databases is considered unreliable, as metrics indicate poor data quality at this position in the gnomAD database.

NM_004608.4(TBX6):c.26C>A (p.Pro9Gln)

Gene: TBX6 (T-box transcription factor 6; minus strand). Cytogenetic location: 16p11.2.
Variant type: single nucleotide variant.
Coding change: c.26C>A on transcript NM_004608.4 (MANE Select); coding-DNA position 26, C replaced by A.
Protein change: p.Pro9Gln; replaces proline 9 with glutamine.
Molecular consequence: missense variant.
Genome position (GRCh38, 1-based): chr16:30,091,168, G>T on the plus strand (C>A on the coding strand, the complement: TBX6 is on the minus strand). VCF-style: chr16-30091168-G-T. GRCh37 (hg19) VCF-style: chr16-30102489-G-T.
Other names: short protein forms P9Q.
Identifiers: ClinVar variation 2814793 (VCV002814793.3), dbSNP rs773149674, ClinGen allele CA395522913.